The following is an entry in ClinVar:

ClinVar aggregate classification (germline): Uncertain significance (1 of 4 stars; one submission).

Submission:

GeneDx
Classification: Uncertain significance. Last evaluated: 2025-11-08. Review status: criteria provided, single submitter. Criteria: GeneDx Variant Classification Process June 2021. Collection method: clinical testing. Allele origin: germline.
Comment: Not observed at significant frequency in large population cohorts (gnomAD); In silico analysis supports that this missense variant has a deleterious effect on protein structure/function; Has not been previously published as pathogenic or benign to our knowledge

NM_014712.3(SETD1A):c.4336A>C (p.Thr1446Pro)

Gene: SETD1A (SET domain containing 1A, histone lysine methyltransferase; plus strand). Cytogenetic location: 16p11.2.
Variant type: single nucleotide variant.
Coding change: c.4336A>C on transcript NM_014712.3 (MANE Select); coding-DNA position 4336, A replaced by C.
Protein change: p.Thr1446Pro; replaces threonine 1446 with proline.
Molecular consequence: missense variant.
Genome position (GRCh38, 1-based): chr16:30,980,122, A>C. VCF-style: chr16-30980122-A-C. GRCh37 (hg19) VCF-style: chr16-30991443-A-C.
Other names: short protein forms T1446P.
Identifiers: ClinVar variation 3342979 (VCV003342979.2).